The following is an entry in ClinVar:

NM_020780.2(DISP3):c.1982G>C (p.Gly661Ala)

Gene: DISP3 (dispatched RND transporter family member 3; plus strand). Cytogenetic location: 1p36.22.
Variant type: single nucleotide variant.
Coding change: c.1982G>C on transcript NM_020780.2 (MANE Select); coding-DNA position 1982, G replaced by C.
Protein change: p.Gly661Ala; replaces glycine 661 with alanine.
Molecular consequence: missense variant.
Genome position (GRCh38, 1-based): chr1:11,519,447, G>C. VCF-style: chr1-11519447-G-C. GRCh37 (hg19) VCF-style: chr1-11579504-G-C.
Other names: short protein forms G661A.
Identifiers: ClinVar variation 3059525 (VCV003059525.2), dbSNP rs2072993, ClinGen allele CA591829.

ClinVar aggregate classification (germline): Benign (0 of 4 stars; one submission).

Conditions:
DISP3-related disorder. Also called: DISP3-related condition.

Allele frequency attached by ClinVar (database versions not stated): ESP Exome Variant Server 0.13146; TOPMed 0.14135; gnomAD 0.14227; gnomAD exomes 0.15326; ExAC 0.16262; 1000 Genomes Project 30x 0.18161; 1000 Genomes Project 0.18990.
gnomAD v4.1: 245,961 of 1,613,636 alleles (15%); highest among the groups gnomAD compares: East Asian, 45%; 21,434 homozygotes.

Submission:

PreventionGenetics, part of Exact Sciences
Classification: Benign for DISP3-related condition. Last evaluated: 2019-10-21. Review status: no assertion criteria provided. Collection method: clinical testing. Allele origin: germline.
Comment: This variant is classified as benign based on ACMG/AMP sequence variant interpretation guidelines (Richards et al. 2015 PMID: 25741868, with internal and published modifications).